The following is an entry in ClinVar:

NM_172240.3(POC1B):c.1312C>T (p.Gln438Ter)

Genes: POC1B (POC1 centriolar protein B; minus strand), POC1B-DUSP6 (POC1B-DUSP6 readthrough; minus strand). Cytogenetic location: 12q21.33.
Variant type: single nucleotide variant.
Coding change: c.1312C>T on transcript NM_172240.3 (MANE Select); coding-DNA position 1312, C replaced by T.
Protein change: p.Gln438Ter; replaces glutamine 438 with a stop codon.
Molecular consequence: nonsense. On other transcripts: non-coding transcript variant (2).
Genome position (GRCh38, 1-based): chr12:89,425,181, G>A on the plus strand (C>T on the coding strand, the complement: POC1B is on the minus strand). VCF-style: chr12-89425181-G-A. GRCh37 (hg19) VCF-style: chr12-89818958-G-A.
Other names: c.1186C>T, p.Gln396Ter (NM_001199777.2); short protein forms Q396*, Q438*.
Identifiers: ClinVar variation 1408249 (VCV001408249.6), dbSNP rs570958164, ClinGen allele CA385985046.
Genomic context (GRCh38, chr12:89,425,181, plus strand): 5'-TACCCCCAAGTGCAACTCATGCAACCTGTGTCATGCCCACCTGTGTCAAAACATTGAGTT[G>A]TTCCATAATATGCTCTAAAGCATCAGTCACAGCGAGAGGTATGCTCCTTTGACTTTCACA-3'

ClinVar aggregate classification (germline): Pathogenic (1 of 4 stars; one submission).

Allele frequency attached by ClinVar (database versions not stated): TOPMed below 0.00001; gnomAD 0.00001.
gnomAD v4.1: 1 of 1,614,008 alleles (0.000062%); highest among the groups gnomAD compares: East Asian, 0.0022%; no homozygotes.

Submission:

Labcorp Genetics (formerly Invitae), Labcorp
Classification: Pathogenic. Last evaluated: 2022-09-06. Review status: criteria provided, single submitter. Criteria: Invitae Variant Classification Sherloc (09022015). Collection method: clinical testing. Allele origin: germline.
Comment: This variant is not present in population databases (gnomAD no frequency). This sequence change creates a premature translational stop signal (p.Gln438*) in the POC1B gene. While this is not anticipated to result in nonsense mediated decay, it is expected to disrupt the last 41 amino acid(s) of the POC1B protein. This variant has not been reported in the literature in individuals affected with POC1B-related conditions. ClinVar contains an entry for this variant (Variation ID: 1408249). Algorithms developed to predict the effect of sequence changes on RNA splicing suggest that this variant may disrupt the consensus splice site. This variant disrupts a region of the POC1B protein in which other variant(s) (p.R452*) have been determined to be pathogenic (PMID: 29377742, 33691693). This suggests that this is a clinically significant region of the protein, and that variants that disrupt it are likely to be disease-causing. For these reasons, this variant has been classified as Pathogenic.

Literature cited by the submitters: PubMed 29377742; PubMed 33691693.